The following is an entry in ClinVar:

ClinVar aggregate classification (germline): Uncertain significance (1 of 4 stars; one submission).

Conditions:
Hereditary hemochromatosis (HFE). Identifiers: MedGen C0392514, MONDO:0006507. Disease mechanism: loss of function.

Allele frequency attached by ClinVar (database versions not stated): TOPMed 0.00002; ExAC 0.00004; gnomAD 0.00004; 1000 Genomes Project 30x 0.00016; 1000 Genomes Project 0.00020.
gnomAD v4.1: 39 of 1,594,768 alleles (0.0024%); highest among the groups gnomAD compares: East Asian, 0.089%; no homozygotes.

Submission:

Labcorp Genetics (formerly Invitae), Labcorp
Classification: Uncertain significance for Hereditary hemochromatosis. Last evaluated: 2021-08-24. Review status: criteria provided, single submitter. Criteria: Invitae Variant Classification Sherloc (09022015). Collection method: clinical testing. Allele origin: germline.
Comment: This sequence change replaces leucine with arginine at codon 745 of the TFR2 protein (p.Leu745Arg). The leucine residue is highly conserved and there is a moderate physicochemical difference between leucine and arginine. This variant is present in population databases (rs560223878, ExAC 0.07%). This variant has not been reported in the literature in individuals affected with TFR2-related conditions. Algorithms developed to predict the effect of missense changes on protein structure and function are either unavailable or do not agree on the potential impact of this missense change (SIFT: "Deleterious"; PolyPhen-2: "Possibly Damaging"; Align-GVGD: "Class C0"). In summary, the available evidence is currently insufficient to determine the role of this variant in disease. Therefore, it has been classified as a Variant of Uncertain Significance.

NM_003227.4(TFR2):c.2234T>G (p.Leu745Arg)

Gene: TFR2 (transferrin receptor 2; minus strand). Cytogenetic location: 7q22.1.
Variant type: single nucleotide variant.
Coding change: c.2234T>G on transcript NM_003227.4 (MANE Select); coding-DNA position 2234, T replaced by G.
Protein change: p.Leu745Arg; replaces leucine 745 with arginine.
Molecular consequence: missense variant.
Genome position (GRCh38, 1-based): chr7:100,621,029, A>C on the plus strand (T>G on the coding strand, the complement: TFR2 is on the minus strand). VCF-style: chr7-100621029-A-C. GRCh37 (hg19) VCF-style: chr7-100218652-A-C.
Other names: c.1721T>G, p.Leu574Arg (NM_001206855.3); short protein forms L574R, L745R.
Identifiers: ClinVar variation 2086362 (VCV002086362.1), dbSNP rs560223878, ClinGen allele CA4386180.